The following is an entry in ClinVar:

NM_000254.3(MTR):c.*4443C>T

Gene: MTR (5-methyltetrahydrofolate-homocysteine methyltransferase; plus strand). Cytogenetic location: 1q43.
Variant type: single nucleotide variant.
Coding change: c.*4443C>T on transcript NM_000254.3 (MANE Select); 4443 bases downstream of the stop codon, C replaced by T.
Molecular consequence: 3 prime UTR variant.
Genome position (GRCh38, 1-based): chr1:236,902,087, C>T. VCF-style: chr1-236902087-C-T. GRCh37 (hg19) VCF-style: chr1-237065387-C-T.
Other names: c.*4443C>T (NM_001291939.1, NM_001291940.2).
Identifiers: ClinVar variation 296671 (VCV000296671.5), dbSNP rs189875201, ClinGen allele CA10609710.
Genomic context (GRCh38, chr1:236,902,087, plus strand): 5'-GGGTTGGTTCCCACCTCCTAGAGCTGGAAGAGTGGGCTCTCTGATTCTTTACACCCCCGC[C>T]TCAATCCTCCTGCTGCCTGAATAACCATCTCCCCGTGACCTAGGATATATCCCAGCCCCT-3'

ClinVar aggregate classification (germline): Likely benign (1 of 4 stars; one submission).

Conditions:
Disorders of Intracellular Cobalamin Metabolism. Identifiers: MedGen CN043592.

Allele frequency attached by ClinVar (database versions not stated): TOPMed 0.00148; gnomAD 0.00160 and 0.00171; 1000 Genomes Project 0.00300; 1000 Genomes Project 30x 0.00328.

Submission:

Illumina Laboratory Services, Illumina
Classification: Likely benign for Disorders of Intracellular Cobalamin Metabolism. Last evaluated: 2018-01-13. Review status: criteria provided, single submitter. Criteria: ICSL Variant Classification Criteria 13 December 2019. Collection method: clinical testing. Allele origin: germline.
Comment: This variant was observed in the ICSL laboratory as part of a predisposition screen in an ostensibly healthy population. It had not been previously curated by ICSL or reported in the Human Gene Mutation Database (HGMD: prior to June 1st, 2018), and was therefore a candidate for classification through an automated scoring system. Utilizing variant allele frequency, disease prevalence and penetrance estimates, and inheritance mode, an automated score was calculated to assess if this variant is too frequent to cause the disease. Based on the score and internal cut-off values, a variant classified as likely benign is not then subjected to further curation. The score for this variant resulted in a classification of likely benign for this disease.